The following is an entry in ClinVar:

ClinVar aggregate classification (germline): Benign/Likely benign. Review status: criteria provided, multiple submitters, no conflicts (2 of 4 stars). 3 submissions from 3 submitters: Benign (1); Likely benign (2). Last evaluated 2025-04-17.

Conditions:
Hereditary cancer-predisposing syndrome. Also called: Neoplastic Syndromes, Hereditary; Tumor predisposition; Hereditary Cancer Syndrome; Hereditary neoplastic syndrome. Identifiers: Orphanet 140162, MedGen C0027672, MeSH D009386, MONDO:0015356.
Familial cancer of breast. Also called: BREAST CANCER, FAMILIAL; hereditary breast carcinoma; Hereditary breast cancer. Identifiers: Orphanet 227535, MedGen C0346153, MONDO:0016419, OMIM 114480. Disease mechanism: loss of function.

Allele frequency attached by ClinVar (database versions not stated): gnomAD exomes below 0.00001.
gnomAD v4.1: 2 of 1,605,040 alleles (0.00012%); highest among the groups gnomAD compares: Non-Finnish European, 0.00017%; no homozygotes.

Submissions (3):

Labcorp Genetics (formerly Invitae), Labcorp
Classification: Likely benign for Familial cancer of breast. Last evaluated: 2025-04-17. Review status: criteria provided, single submitter. Criteria: Invitae Variant Classification Sherloc (09022015). Collection method: clinical testing. Allele origin: germline.

Myriad Genetics, Inc.
Classification: Benign for Familial cancer of breast. Last evaluated: 2025-01-21. Review status: criteria provided, single submitter. Criteria: Myriad Autosomal Dominant, Autosomal Recessive and X-Linked Classification Criteria (2023). Collection method: clinical testing. Allele origin: unknown.
Comment: This variant is considered benign. This variant is a silent/synonymous amino acid change and it is not expected to impact splicing.

Ambry Genetics
Classification: Likely benign for Hereditary cancer-predisposing syndrome. Last evaluated: 2015-09-29. Review status: criteria provided, single submitter. Criteria: Ambry Variant Classification Scheme 2023. Collection method: clinical testing. Allele origin: germline.

NM_024675.4(PALB2):c.3111T>C (p.Ile1037=)

Gene: PALB2 (partner and localizer of BRCA2; minus strand). Cytogenetic location: 16p12.2.
Variant type: single nucleotide variant.
Coding change: c.3111T>C on transcript NM_024675.4 (MANE Select); coding-DNA position 3111, T replaced by C.
Protein change: p.Ile1037=; no amino-acid change (isoleucine 1037 retained).
Molecular consequence: synonymous variant.
Genome position (GRCh38, 1-based): chr16:23,621,364, A>G on the plus strand (T>C on the coding strand, the complement: PALB2 is on the minus strand). VCF-style: chr16-23621364-A-G. GRCh37 (hg19) VCF-style: chr16-23632685-A-G.
Identifiers: ClinVar variation 234178 (VCV000234178.16), dbSNP rs876660903, ClinGen allele CA10579932.